The following is an entry in ClinVar:

ClinVar aggregate classification (germline): Conflicting classifications of pathogenicity. Review status: criteria provided, conflicting classifications (1 of 4 stars). 2 submissions from 2 submitters: Likely pathogenic (1); Uncertain significance (1). Last evaluated 2025-03-20.

Conditions:
Amyotrophic lateral sclerosis type 4 (ALS4). Also called: AMYOTROPHIC LATERAL SCLEROSIS 4, JUVENILE; NEURONOPATHY, DISTAL HEREDITARY MOTOR, WITH PYRAMIDAL FEATURES. Identifiers: Orphanet 357043, MedGen C1865409, MONDO:0011223, OMIM 602433.

gnomAD v4.1: 10 of 1,613,922 alleles (0.00062%); highest among the groups gnomAD compares: African/African-American, 0.0027%; no homozygotes.

Submissions (2):

Variantyx, Inc.
Classification: Likely pathogenic for Amyotrophic lateral sclerosis type 4. Last evaluated: 2025-03-20. Review status: criteria provided, single submitter. Criteria: Variantyx Assertion Criteria 2022. Collection method: clinical testing. Allele origin: de novo. Affected: yes.
Comment: This is a nonsynonymous variant in the SETX gene (OMIM: 608465). Pathogenic variants in this gene have been associated with autosomal dominant juvenile amyotrophic lateral sclerosis 4. This variant has been reported in at least one affected individual (PMID: 33770234) (PS4_Supporting). This variant has a 0.0034% maximum allele frequency in non-founder control populations (PM2_Supporting). Computational algorithms produce conflicting evidence regarding the predicted functional impact of this variant (REVEL score: 0.473). Based on the current evidence, this variant is classified as likely pathogenic for autosomal dominant juvenile amyotrophic lateral sclerosis 4.

Women's Health and Genetics/Laboratory Corporation of America, LabCorp
Classification: Uncertain significance. Last evaluated: 2024-05-21. Review status: criteria provided, single submitter. Criteria: LabCorp Variant Classification Summary - May 2015. Collection method: clinical testing. Allele origin: germline.
Comment: Variant summary: SETX c.1255A>G (p.Met419Val) results in a conservative amino acid change in the encoded protein sequence. Four of five in-silico tools predict a damaging effect of the variant on protein function. The variant allele was found at a frequency of 1.2e-05 in 251176 control chromosomes. The available data on variant occurrences in the general population are insufficient to allow any conclusion about variant significance. c.1255A>G has been reported in the literature in one individual affected with Amyotrophic Lateral Sclerosis (Bartoletti-Stella_2021). These data do not allow any conclusion about variant significance. To our knowledge, no experimental evidence demonstrating an impact on protein function has been reported. The following publication has been ascertained in the context of this evaluation (PMID: 33770234). No submitters have cited clinical-significance assessments for this variant to ClinVar. Based on the evidence outlined above, the variant was classified as uncertain significance.

Literature cited by the submitters: PubMed 33770234 (cited by Women's Health and Genetics/Laboratory Corporation of America, LabCorp).

NM_015046.7(SETX):c.1255A>G (p.Met419Val)

Gene: SETX (senataxin; minus strand). Cytogenetic location: 9q34.13.
Variant type: single nucleotide variant.
Coding change: c.1255A>G on transcript NM_015046.7 (MANE Select); coding-DNA position 1255, A replaced by G.
Protein change: p.Met419Val; replaces methionine 419 with valine.
Molecular consequence: missense variant.
Genome position (GRCh38, 1-based): chr9:132,330,343, T>C on the plus strand (A>G on the coding strand, the complement: SETX is on the minus strand). VCF-style: chr9-132330343-T-C. GRCh37 (hg19) VCF-style: chr9-135205730-T-C.
Other names: c.1255A>G, p.Met419Val (NM_001351527.2, NM_001351528.2); short protein forms M419V.
Identifiers: ClinVar variation 3336457 (VCV003336457.2).